The following is an entry in ClinVar:

ClinVar aggregate classification (germline): Likely benign (1 of 4 stars; one submission).

Allele frequency attached by ClinVar (database versions not stated): gnomAD 0.00004 and 0.00003; TOPMed 0.00001.
gnomAD v4.1: 8 of 1,608,268 alleles (0.0005%); highest among the groups gnomAD compares: Admixed American, 0.0067%; no homozygotes.

Submission:

GeneDx
Classification: Likely benign. Last evaluated: 2016-11-15. Review status: criteria provided, single submitter. Criteria: GeneDx Variant Classification (06012015). Collection method: clinical testing. Allele origin: germline. Affected: yes.
Comment: This variant is considered likely benign or benign based on one or more of the following criteria: it is a conservative change, it occurs at a poorly conserved position in the protein, it is predicted to be benign by multiple in silico algorithms, and/or has population frequency not consistent with disease.

NM_000891.3(KCNJ2):c.*20G>T

Gene: KCNJ2 (potassium inwardly rectifying channel subfamily J member 2; plus strand). Cytogenetic location: 17q24.3.
Variant type: single nucleotide variant.
Coding change: c.*20G>T on transcript NM_000891.3 (MANE Select); 20 bases downstream of the stop codon, G replaced by T.
Molecular consequence: 3 prime UTR variant.
Genome position (GRCh38, 1-based): chr17:70,176,343, G>T. VCF-style: chr17-70176343-G-T. GRCh37 (hg19) VCF-style: chr17-68172484-G-T.
Identifiers: ClinVar variation 390839 (VCV000390839.1), dbSNP rs776522922, ClinGen allele CA16607862.